The following is an entry in ClinVar:

ClinVar aggregate classification (germline): Pathogenic (1 of 4 stars; one submission).

Conditions:
Alstrom syndrome (ALMS). Identifiers: Orphanet 64, MedGen C0268425, MONDO:0008763, OMIM 203800.

Submission:

Labcorp Genetics (formerly Invitae), Labcorp
Classification: Pathogenic for Alstrom syndrome. Last evaluated: 2022-08-29. Review status: criteria provided, single submitter. Criteria: Invitae Variant Classification Sherloc (09022015). Collection method: clinical testing. Allele origin: germline.
Comment: For these reasons, this variant has been classified as Pathogenic. This variant has not been reported in the literature in individuals affected with ALMS1-related conditions. This variant is not present in population databases (gnomAD no frequency). This sequence change creates a premature translational stop signal (p.Leu518Cysfs*6) in the ALMS1 gene. It is expected to result in an absent or disrupted protein product. Loss-of-function variants in ALMS1 are known to be pathogenic (PMID: 17594715).

Literature cited by the submitters: PubMed 17594715.

NM_001378454.1(ALMS1):c.1549del (p.Leu517fs)

Gene: ALMS1 (ALMS1 centrosome and basal body associated protein; plus strand). Cytogenetic location: 2p13.1.
Variant type: Deletion.
Coding change: c.1549del on transcript NM_001378454.1 (MANE Select); coding-DNA position 1549, one base deleted (C; older notation c.1549delC).
Protein change: p.Leu517fs; shifts the reading frame from leucine 517.
Molecular consequence: frameshift variant.
Genome position (GRCh38, 1-based): chr2:73,448,076, C deleted; the last of 2 consecutive C bases (chr2:73,448,075-73,448,076); deleting either gives the same sequence. VCF-style (leftmost placement, unchanged base first): chr2-73448074-AC-A. GRCh37 (hg19) VCF-style: chr2-73675204-AC-A.
Other names: c.1552del, p.Leu518fs (NM_015120.4); short protein forms L517fs, L518fs.
Identifiers: ClinVar variation 2027743 (VCV002027743.4), dbSNP rs2466091383, ClinGen allele CA2580067974.